The following is an entry in ClinVar:

NM_007327.4(GRIN1):c.290C>A (p.Thr97Asn)

Gene: GRIN1 (glutamate ionotropic receptor NMDA type subunit 1; plus strand). Cytogenetic location: 9q34.3.
Variant type: single nucleotide variant.
Coding change: c.290C>A on transcript NM_007327.4 (MANE Select); coding-DNA position 290, C replaced by A.
Protein change: p.Thr97Asn; replaces threonine 97 with asparagine.
Molecular consequence: missense variant.
Genome position (GRCh38, 1-based): chr9:137,142,044, C>A. VCF-style: chr9-137142044-C-A. GRCh37 (hg19) VCF-style: chr9-140036496-C-A.
Other names: c.290C>A, p.Thr97Asn (NM_000832.7, NM_001185090.2, NM_001185091.2 and 1 more transcripts); short protein forms T97N.
Identifiers: ClinVar variation 2096458 (VCV002096458.4), dbSNP rs1004469669, ClinGen allele CA201728507.

ClinVar aggregate classification (germline): Uncertain significance (1 of 4 stars; one submission).

Conditions:
Neurodevelopmental disorder with or without hyperkinetic movements and seizures, autosomal dominant. Also called: Intellectual disability, autosomal dominant 8. Identifiers: MedGen C3280282, MONDO:0013655, OMIM 614254.

gnomAD v4.1: 4 of 1,614,096 alleles (0.00025%); highest among the groups gnomAD compares: Non-Finnish European, 0.00034%; no homozygotes.

Submission:

Labcorp Genetics (formerly Invitae), Labcorp
Classification: Uncertain significance for Neurodevelopmental disorder with or without hyperkinetic movements and seizures, autosomal dominant. Last evaluated: 2023-10-09. Review status: criteria provided, single submitter. Criteria: Invitae Variant Classification Sherloc (09022015). Collection method: clinical testing. Allele origin: germline.
Comment: This sequence change replaces threonine, which is neutral and polar, with asparagine, which is neutral and polar, at codon 97 of the GRIN1 protein (p.Thr97Asn). This variant is not present in population databases (gnomAD no frequency). This variant has not been reported in the literature in individuals affected with GRIN1-related conditions. ClinVar contains an entry for this variant (Variation ID: 2096458). Advanced modeling of protein sequence and biophysical properties (such as structural, functional, and spatial information, amino acid conservation, physicochemical variation, residue mobility, and thermodynamic stability) has been performed at Invitae for this missense variant, however the output from this modeling did not meet the statistical confidence thresholds required to predict the impact of this variant on GRIN1 protein function. In summary, the available evidence is currently insufficient to determine the role of this variant in disease. Therefore, it has been classified as a Variant of Uncertain Significance.